The following is an entry in ClinVar:

ClinVar aggregate classification (germline): Uncertain significance (1 of 4 stars; one submission).

Conditions:
Oligodontia-cancer predisposition syndrome. Also called: TOOTH AGENESIS-COLORECTAL CANCER SYNDROME. Identifiers: Orphanet 300576, MedGen C1837750, MONDO:0012075, OMIM 608615. Disease mechanism: loss of function.

Allele frequency attached by ClinVar (database versions not stated): gnomAD exomes below 0.00001.
gnomAD v4.1: 1 of 1,614,166 alleles (0.000062%); highest among the groups gnomAD compares: South Asian, 0.0011%; no homozygotes.

Submission:

Labcorp Genetics (formerly Invitae), Labcorp
Classification: Uncertain significance for Oligodontia-cancer predisposition syndrome. Last evaluated: 2025-09-15. Review status: criteria provided, single submitter. Criteria: Invitae Variant Classification Sherloc (09022015). Collection method: clinical testing. Allele origin: germline.
Comment: This sequence change replaces arginine, which is basic and polar, with leucine, which is neutral and non-polar, at codon 388 of the AXIN2 protein (p.Arg388Leu). This variant is present in population databases (rs368502813, gnomAD 0.003%). This variant has not been reported in the literature in individuals affected with AXIN2-related conditions. ClinVar contains an entry for this variant (Variation ID: 1036744). Invitae Evidence Modeling of protein sequence and biophysical properties (such as structural, functional, and spatial information, amino acid conservation, physicochemical variation, residue mobility, and thermodynamic stability) indicates that this missense variant is not expected to disrupt AXIN2 protein function with a negative predictive value of 80%. In summary, the available evidence is currently insufficient to determine the role of this variant in disease. Therefore, it has been classified as a Variant of Uncertain Significance.

NM_004655.4(AXIN2):c.1163G>T (p.Arg388Leu)

Gene: AXIN2 (axin 2; minus strand). Cytogenetic location: 17q24.1.
Variant type: single nucleotide variant.
Coding change: c.1163G>T on transcript NM_004655.4 (MANE Select); coding-DNA position 1163, G replaced by T.
Protein change: p.Arg388Leu; replaces arginine 388 with leucine.
Molecular consequence: missense variant.
Genome position (GRCh38, 1-based): chr17:65,538,240, C>A on the plus strand (G>T on the coding strand, the complement: AXIN2 is on the minus strand). VCF-style: chr17-65538240-C-A. GRCh37 (hg19) VCF-style: chr17-63534358-C-A.
Other names: c.1163G>T, p.Arg388Leu (NM_001363813.1); short protein forms R388L.
Identifiers: ClinVar variation 1036744 (VCV001036744.8), dbSNP rs368502813, ClinGen allele CA8718851.